The following is an entry in ClinVar:

ClinVar aggregate classification (germline): Likely pathogenic (1 of 4 stars; one submission).

Conditions:
Polycystic kidney disease 4 (PKD4). Also called: POLYCYSTIC KIDNEY AND HEPATIC DISEASE 1; POLYCYSTIC KIDNEY DISEASE, INFANTILE, TYPE I; POLYCYSTIC KIDNEY DISEASE 4 WITH OR WITHOUT POLYCYSTIC LIVER DISEASE; PKD3; Autosomal Recessive Polycystic Kidney Disease – PKHD1. Identifiers: MedGen C4540575, MONDO:0033004, OMIM 263200.

Submission:

Myriad Genetics, Inc.
Classification: Likely pathogenic for Polycystic kidney disease 4. Last evaluated: 2022-03-23. Review status: criteria provided, single submitter. Criteria: Myriad Women's Health Autosomal Recessive and X-Linked Classification Criteria (2021). Collection method: clinical testing. Allele origin: unknown.
Comment: NM_138694.3(PKHD1):c.10168G>T(E3390*) is expected to be pathogenic in the context of autosomal recessive polycystic kidney disease, PKHD1-related. This variant is predicted to lead to an abnormal or absent protein product due to the creation of a premature termination codon in PKHD1, a gene where loss-of-function variants are known to be pathogenic. Please note: this variant was assessed in the context of healthy population screening.

NM_138694.4(PKHD1):c.10168G>T (p.Glu3390Ter)

Gene: PKHD1 (PKHD1 ciliary IPT domain containing fibrocystin/polyductin; minus strand). Cytogenetic location: 6p12.3.
Variant type: single nucleotide variant.
Coding change: c.10168G>T on transcript NM_138694.4 (MANE Select); coding-DNA position 10168, G replaced by T.
Protein change: p.Glu3390Ter; replaces glutamic acid 3390 with a stop codon.
Molecular consequence: nonsense.
Genome position (GRCh38, 1-based): chr6:51,659,958, C>A on the plus strand (G>T on the coding strand, the complement: PKHD1 is on the minus strand). VCF-style: chr6-51659958-C-A. GRCh37 (hg19) VCF-style: chr6-51524756-C-A.
Other names: short protein forms E3390*.
Identifiers: ClinVar variation 1725456 (VCV001725456.2), dbSNP rs761267998, ClinGen allele CA364437651.
Genomic context (GRCh38, chr6:51,659,958, plus strand): 5'-GGTCAGTCTGTTTGCAGATGAATCCTTGCATCAGAAATTGGTATGTACATTTCTGTTCTT[C>A]TCTAAATGTACCTATAAAAGAAAAGAAGCAAAACAAGTGATATATGAATTATAATCTGTC-3'